The following is an entry in ClinVar:

ClinVar aggregate classification (germline): Uncertain significance. Review status: criteria provided, single submitter (1 of 4 stars). 2 submissions from 2 submitters: Uncertain significance (1). 1 of the submissions does not count toward it. Last evaluated 2024-08-15.

Conditions:
CLCN6-related disorder. Also called: CLCN6-related condition.

Allele frequency attached by ClinVar (database versions not stated): gnomAD 0.00002; gnomAD exomes 0.00011; ExAC 0.00014; 1000 Genomes Project 30x 0.00016; 1000 Genomes Project 0.00020.
gnomAD v4.1: 77 of 1,613,294 alleles (0.0048%); highest among the groups gnomAD compares: South Asian, 0.063%; 2 homozygotes.

Submissions (2):

Labcorp Genetics (formerly Invitae), Labcorp
Classification: Uncertain significance. Last evaluated: 2024-08-15. Review status: criteria provided, single submitter. Criteria: Invitae Variant Classification Sherloc (09022015). Collection method: clinical testing. Allele origin: germline.
Comment: This sequence change falls in intron 14 of the CLCN6 gene. It does not directly change the encoded amino acid sequence of the CLCN6 protein. It affects a nucleotide within the consensus splice site. This variant is present in population databases (rs573846885, gnomAD 0.07%), and has an allele count higher than expected for a pathogenic variant. This variant has not been reported in the literature in individuals affected with CLCN6-related conditions. ClinVar contains an entry for this variant (Variation ID: 1391060). Variants that disrupt the consensus splice site are a relatively common cause of aberrant splicing (PMID: 17576681, 9536098). Algorithms developed to predict the effect of sequence changes on RNA splicing suggest that this variant is not likely to affect RNA splicing. In summary, the available evidence is currently insufficient to determine the role of this variant in disease. Therefore, it has been classified as a Variant of Uncertain Significance.

PreventionGenetics, part of Exact Sciences
Classification: Likely benign for CLCN6-related condition. Last evaluated: 2022-03-08. Review status: no assertion criteria provided. Collection method: clinical testing. Allele origin: germline. Not counted in ClinVar's aggregate classification.
Comment: This variant is classified as likely benign based on ACMG/AMP sequence variant interpretation guidelines (Richards et al. 2015 PMID: 25741868, with internal and published modifications).

Literature cited by the submitters: PubMed 17576681 (cited by Labcorp Genetics (formerly Invitae), Labcorp); PubMed 9536098 (cited by Labcorp Genetics (formerly Invitae), Labcorp).

NM_001286.5(CLCN6):c.1372+3G>A

Gene: CLCN6 (chloride voltage-gated channel 6; plus strand). Cytogenetic location: 1p36.22.
Variant type: single nucleotide variant.
Coding change: c.1372+3G>A on transcript NM_001286.5 (MANE Select); 3 bases into the intron after coding-DNA position 1372, G replaced by A.
Molecular consequence: intron variant.
Genome position (GRCh38, 1-based): chr1:11,833,641, G>A. VCF-style: chr1-11833641-G-A. GRCh37 (hg19) VCF-style: chr1-11893698-G-A.
Other names: c.1306+3G>A (NM_001256959.2); c.1372+3G>A (NM_001286.3).
Identifiers: ClinVar variation 1391060 (VCV001391060.7), dbSNP rs573846885, ClinGen allele CA596439.
Genomic context (GRCh38, chr1:11,833,641, plus strand): 5'-GCCACACTCTTCTTCAACCCGCAGGAGTCTGCCATCCTCCAGCTCTTCCACCAGGATGGT[G>A]AGTGTCTGCACTGCAGCCCAATCGTGGGTGATTGGTGTCATCTCGGACACAGCCAGGCTT-3'